The following is an entry in ClinVar:

ClinVar aggregate classification (germline): Uncertain significance (1 of 4 stars; one submission).

Conditions:
Charcot-Marie-Tooth disease X-linked dominant 6. Also called: CHARCOT-MARIE-TOOTH NEUROPATHY, X-LINKED DOMINANT, 6. Identifiers: Orphanet 352675, MedGen C3806702, MONDO:0010479, OMIM 300905.

Allele frequency attached by ClinVar (database versions not stated): gnomAD exomes below 0.00001 and 0.00001.
gnomAD v4.1: 2 of 1,206,118 alleles (0.00017%); highest among the groups gnomAD compares: Admixed American, 0.0044%; no homozygotes.

Submission:

Labcorp Genetics (formerly Invitae), Labcorp
Classification: Uncertain significance for Charcot-Marie-Tooth disease X-linked dominant 6. Last evaluated: 2025-12-26. Review status: criteria provided, single submitter. Criteria: Invitae Variant Classification Sherloc (09022015). Collection method: clinical testing. Allele origin: germline.
Comment: This sequence change replaces isoleucine, which is neutral and non-polar, with valine, which is neutral and non-polar, at codon 143 of the PDK3 protein (p.Ile143Val). This variant is present in population databases (no rsID available, gnomAD no frequency), including at least one homozygous and/or hemizygous individual. This variant has not been reported in the literature in individuals affected with PDK3-related conditions. ClinVar contains an entry for this variant (Variation ID: 1403008). Invitae Evidence Modeling of protein sequence and biophysical properties (such as structural, functional, and spatial information, amino acid conservation, physicochemical variation, residue mobility, and thermodynamic stability) indicates that this missense variant is not expected to disrupt PDK3 protein function with a negative predictive value of 80%. In summary, the available evidence is currently insufficient to determine the role of this variant in disease. Therefore, it has been classified as a Variant of Uncertain Significance.

NM_005391.5(PDK3):c.427A>G (p.Ile143Val)

Gene: PDK3 (pyruvate dehydrogenase kinase 3; plus strand). Cytogenetic location: Xp22.11.
Variant type: single nucleotide variant.
Coding change: c.427A>G on transcript NM_005391.5 (MANE Select); coding-DNA position 427, A replaced by G.
Protein change: p.Ile143Val; replaces isoleucine 143 with valine.
Molecular consequence: missense variant.
Genome position (GRCh38, 1-based): chrX:24,503,433, A>G. VCF-style: chrX-24503433-A-G. GRCh37 (hg19) VCF-style: chrX-24521550-A-G.
Other names: c.427A>G, p.Ile143Val (NM_001142386.3); short protein forms I143V.
Identifiers: ClinVar variation 1403008 (VCV001403008.6), dbSNP rs1057438680, ClinGen allele CA327704772.
Genomic context (GRCh38, chrX:24,503,433, plus strand): 5'-GTTCCTACAATGGCACAAGGAGTGATTGAATACAAGGAGAAGTTTGGGTTTGATCCTTTC[A>G]TTAGCACTAACATCCAATATTTTCTGGATCGGTTTTATACCAACCGCATCTCTTTCCGCA-3'
Protein context (NP_005382.1, residues 133-153): YKEKFGFDPF[Ile143Val]STNIQYFLDR